The following is an entry in ClinVar:

ClinVar aggregate classification (germline): Uncertain significance (1 of 4 stars; one submission).

Conditions:
Cardiovascular phenotype. Identifiers: MedGen CN230736.

gnomAD v4.1: 35 of 1,613,990 alleles (0.0022%); highest among the groups gnomAD compares: Admixed American, 0.01%; no homozygotes.

Submission:

Molecular Diagnostic Laboratory for Inherited Cardiovascular Disease, Montreal Heart Institute
Classification: Uncertain significance for Cardiovascular phenotype. Last evaluated: 2025-04-09. Review status: criteria provided, single submitter. Criteria: ACMG Guidelines, 2015. Collection method: clinical testing. Allele origin: germline. Affected: yes.
Comment: PM2

NM_198060.4(NRAP):c.3959T>C (p.Ile1320Thr)

Gene: NRAP (nebulin related anchoring protein; minus strand). Cytogenetic location: 10q25.3.
Variant type: single nucleotide variant.
Coding change: c.3959T>C on transcript NM_198060.4 (MANE Select); coding-DNA position 3959, T replaced by C.
Protein change: p.Ile1320Thr; replaces isoleucine 1320 with threonine.
Molecular consequence: missense variant.
Genome position (GRCh38, 1-based): chr10:113,604,877, A>G on the plus strand (T>C on the coding strand, the complement: NRAP is on the minus strand). VCF-style: chr10-113604877-A-G. GRCh37 (hg19) VCF-style: chr10-115364636-A-G.
Other names: c.3959T>C, p.Ile1320Thr (NM_001261463.2); c.3851T>C, p.Ile1284Thr (NM_001322945.2); c.3854T>C, p.Ile1285Thr (NM_006175.5); short protein forms I1284T, I1285T, I1320T.
Identifiers: ClinVar variation 3895146 (VCV003895146.1), dbSNP rs769901490.